The following is an entry in ClinVar:

ClinVar aggregate classification (germline): Likely benign. Review status: criteria provided, single submitter (1 of 4 stars). 2 submissions from 2 submitters: Likely benign (1). 1 of the submissions does not count toward it. Last evaluated 2025-11-27.

Conditions:
LTBP3-related disorder. Also called: LTBP3-related condition.
Brachyolmia-amelogenesis imperfecta syndrome. Also called: Tooth agenesis, selective, 6; Dental anomalies and short stature; PLATYSPONDYLY WITH AMELOGENESIS IMPERFECTA. Identifiers: Orphanet 2899, MedGen C1832594, MONDO:0011018, OMIM 601216. Disease mechanism: loss of function.

Allele frequency attached by ClinVar (database versions not stated): gnomAD exomes 0.00002; ExAC 0.00003; gnomAD 0.00008 and 0.00009; TOPMed 0.00014.
gnomAD v4.1: 36 of 1,613,910 alleles (0.0022%); highest among the groups gnomAD compares: South Asian, 0.021%; 1 homozygote.

Submissions (2):

Labcorp Genetics (formerly Invitae), Labcorp
Classification: Likely benign for Brachyolmia-amelogenesis imperfecta syndrome. Last evaluated: 2025-11-27. Review status: criteria provided, single submitter. Criteria: Invitae Variant Classification Sherloc (09022015). Collection method: clinical testing. Allele origin: germline.

PreventionGenetics, part of Exact Sciences
Classification: Likely benign for LTBP3-related condition. Last evaluated: 2019-07-01. Review status: no assertion criteria provided. Collection method: clinical testing. Allele origin: germline. Not counted in ClinVar's aggregate classification.
Comment: This variant is classified as likely benign based on ACMG/AMP sequence variant interpretation guidelines (Richards et al. 2015 PMID: 25741868, with internal and published modifications).

NM_001130144.3(LTBP3):c.1549-4G>A

Gene: LTBP3 (latent transforming growth factor beta binding protein 3; minus strand). Cytogenetic location: 11q13.1.
Variant type: single nucleotide variant.
Coding change: c.1549-4G>A on transcript NM_001130144.3 (MANE Select); 4 bases into the intron before coding-DNA position 1549, G replaced by A.
Molecular consequence: intron variant.
Genome position (GRCh38, 1-based): chr11:65,551,478, C>T on the plus strand (G>A on the coding strand, the complement: LTBP3 is on the minus strand). VCF-style: chr11-65551478-C-T. GRCh37 (hg19) VCF-style: chr11-65318949-C-T.
Other names: c.1198-4G>A (NM_001164266.1); c.1549-4G>A (NM_021070.4, NM_001130144.2).
Identifiers: ClinVar variation 1645017 (VCV001645017.10), dbSNP rs770241725, ClinGen allele CA6100931.